The following is an entry in ClinVar:

NM_004958.4(MTOR):c.5159T>C (p.Phe1720Ser)

Gene: MTOR (mechanistic target of rapamycin kinase; minus strand). Cytogenetic location: 1p36.22.
Variant type: single nucleotide variant.
Coding change: c.5159T>C on transcript NM_004958.4 (MANE Select); coding-DNA position 5159, T replaced by C.
Protein change: p.Phe1720Ser; replaces phenylalanine 1720 with serine.
Molecular consequence: missense variant.
Genome position (GRCh38, 1-based): chr1:11,134,438, A>G on the plus strand (T>C on the coding strand, the complement: MTOR is on the minus strand). VCF-style: chr1-11134438-A-G. GRCh37 (hg19) VCF-style: chr1-11194495-A-G.
Other names: c.5159T>C, p.Phe1720Ser (NM_001386500.1); c.3911T>C, p.Phe1304Ser (NM_001386501.1); short protein forms F1304S, F1720S.
Identifiers: ClinVar variation 1397283 (VCV001397283.8), dbSNP rs2100452123, ClinGen allele CA338401037.

ClinVar aggregate classification (germline): Uncertain significance (1 of 4 stars; one submission).

Submission:

Labcorp Genetics (formerly Invitae), Labcorp
Classification: Uncertain significance. Last evaluated: 2020-12-13. Review status: criteria provided, single submitter. Criteria: Invitae Variant Classification Sherloc (09022015). Collection method: clinical testing. Allele origin: germline.
Comment: In summary, the available evidence is currently insufficient to determine the role of this variant in disease. Therefore, it has been classified as a Variant of Uncertain Significance. Advanced modeling of protein sequence and biophysical properties (such as structural, functional, and spatial information, amino acid conservation, physicochemical variation, residue mobility, and thermodynamic stability) performed at Invitae indicates that this missense variant is expected to disrupt MTOR protein function. This variant has not been reported in the literature in individuals with MTOR-related conditions. This variant is not present in population databases (ExAC no frequency). This sequence change replaces phenylalanine with serine at codon 1720 of the MTOR protein (p.Phe1720Ser). The phenylalanine residue is highly conserved and there is a large physicochemical difference between phenylalanine and serine.